The following is an entry in ClinVar:

NM_006922.4(SCN3A):c.404T>C (p.Met135Thr)

Gene: SCN3A (sodium voltage-gated channel alpha subunit 3; minus strand). Cytogenetic location: 2q24.3.
Variant type: single nucleotide variant.
Coding change: c.404T>C on transcript NM_006922.4 (MANE Select); coding-DNA position 404, T replaced by C.
Protein change: p.Met135Thr; replaces methionine 135 with threonine.
Molecular consequence: missense variant.
Genome position (GRCh38, 1-based): chr2:165,168,805, A>G on the plus strand (T>C on the coding strand, the complement: SCN3A is on the minus strand). VCF-style: chr2-165168805-A-G. GRCh37 (hg19) VCF-style: chr2-166025315-A-G.
Other names: c.404T>C, p.Met135Thr (NM_001081676.2, NM_001081677.2); short protein forms M135T.
Identifiers: ClinVar variation 2693777 (VCV002693777.3), dbSNP rs2468519328, ClinGen allele CA349240344.

ClinVar aggregate classification (germline): Uncertain significance (1 of 4 stars; one submission).

Submission:

Labcorp Genetics (formerly Invitae), Labcorp
Classification: Uncertain significance. Last evaluated: 2023-06-06. Review status: criteria provided, single submitter. Criteria: Invitae Variant Classification Sherloc (09022015). Collection method: clinical testing. Allele origin: germline.
Comment: This sequence change replaces methionine, which is neutral and non-polar, with threonine, which is neutral and polar, at codon 135 of the SCN3A protein (p.Met135Thr). In summary, the available evidence is currently insufficient to determine the role of this variant in disease. Therefore, it has been classified as a Variant of Uncertain Significance. Advanced modeling of protein sequence and biophysical properties (such as structural, functional, and spatial information, amino acid conservation, physicochemical variation, residue mobility, and thermodynamic stability) performed at Invitae indicates that this missense variant is not expected to disrupt SCN3A protein function. This variant has not been reported in the literature in individuals affected with SCN3A-related conditions. This variant is not present in population databases (gnomAD no frequency).